The following is an entry in ClinVar:

ClinVar aggregate classification (germline): Likely benign. Review status: criteria provided, multiple submitters, no conflicts (2 of 4 stars). 4 submissions from 4 submitters: Likely benign (4). Last evaluated 2023-12-01.

Conditions:
Cardiovascular phenotype. Identifiers: MedGen CN230736.
Familial hypercholesterolemia. Also called: Familial hypercholesterolemias; Familial hypercholesterolaemia. Identifiers: MedGen C0020445, MONDO:0005439.
Hypercholesterolemia, autosomal dominant, 3 (FHCL3). Also called: Familial hypercholesterolemia 3; Familial Hypercholesterolemia, Autosomal Dominant, 3; PCSK9-Related Familial Hypercholesterolemia, Autosomal Dominant. Identifiers: MedGen C1863551, MONDO:0011369, OMIM 603776.

Allele frequency attached by ClinVar (database versions not stated): TOPMed 0.00002.
gnomAD v4.1: 5 of 1,614,170 alleles (0.00031%); highest among the groups gnomAD compares: Non-Finnish European, 0.00042%; no homozygotes.

Submissions (4):

All of Us Research Program, National Institutes of Health
Classification: Likely benign for Hypercholesterolemia, autosomal dominant, 3. Last evaluated: 2023-12-01. Review status: criteria provided, single submitter. Criteria: ACMG Guidelines, 2015. Collection method: clinical testing. Allele origin: germline. Inheritance: Autosomal dominant inheritance. Observed: 1 variant allele, 1 heterozygote.
Comment: This study involves interpretation of variants in research participants for the purpose of population health screening. Participant phenotype was not available at the time of variant classification. Additional details can be found in publication PMID: 35346344, PMCID: PMC8962531

Labcorp Genetics (formerly Invitae), Labcorp
Classification: Likely benign for Hypercholesterolemia, autosomal dominant, 3. Last evaluated: 2022-11-06. Review status: criteria provided, single submitter. Criteria: Invitae Variant Classification Sherloc (09022015). Collection method: clinical testing. Allele origin: germline.

Ambry Genetics
Classification: Likely benign for Cardiovascular phenotype. Last evaluated: 2021-04-01. Review status: criteria provided, single submitter. Criteria: Ambry Variant Classification Scheme 2023. Collection method: clinical testing. Allele origin: germline.

Color Diagnostics, LLC DBA Color Health
Classification: Likely benign for Familial hypercholesterolemia. Last evaluated: 2020-02-24. Review status: criteria provided, single submitter. Criteria: ACMG Guidelines, 2015. Collection method: clinical testing. Allele origin: germline.

NM_174936.4(PCSK9):c.456G>A (p.Gln152=)

Gene: PCSK9 (proprotein convertase subtilisin/kexin type 9; plus strand). Cytogenetic location: 1p32.3.
Variant type: single nucleotide variant.
Coding change: c.456G>A on transcript NM_174936.4 (MANE Select); coding-DNA position 456, G replaced by A.
Protein change: p.Gln152=; no amino-acid change (glutamine 152 retained).
Molecular consequence: synonymous variant.
Genome position (GRCh38, 1-based): chr1:55,046,579, G>A. VCF-style: chr1-55046579-G-A. GRCh37 (hg19) VCF-style: chr1-55512252-G-A.
Identifiers: ClinVar variation 920790 (VCV000920790.8), dbSNP rs1305635836, ClinGen allele CA417957624.